The following is an entry in ClinVar:

NM_000358.3(TGFBI):c.914A>G (p.Asp305Gly)

Gene: TGFBI (transforming growth factor beta induced; plus strand). Cytogenetic location: 5q31.1.
Variant type: single nucleotide variant.
Coding change: c.914A>G on transcript NM_000358.3 (MANE Select); coding-DNA position 914, A replaced by G.
Protein change: p.Asp305Gly; replaces aspartic acid 305 with glycine.
Molecular consequence: missense variant.
Genome position (GRCh38, 1-based): chr5:136,052,907, A>G. VCF-style: chr5-136052907-A-G. GRCh37 (hg19) VCF-style: chr5-135388596-A-G.
Other names: short protein forms D305G.
Identifiers: ClinVar variation 5030826 (VCV005030826.1).

ClinVar aggregate classification (germline): Uncertain significance (1 of 4 stars; one submission).

Conditions:
Inborn genetic diseases. Identifiers: MedGen C0950123, MeSH D030342.

Submission:

Ambry Genetics
Classification: Uncertain significance for Inborn genetic diseases. Last evaluated: 2026-07-13. Review status: criteria provided, single submitter. Criteria: Ambry Variant Classification Scheme 2023. Collection method: clinical testing. Allele origin: germline.
Comment: The c.914A>G (p.D305G) alteration is located in exon 8 (coding exon 8) of the TGFBI gene. This alteration results from a A to G substitution at nucleotide position 914, causing the aspartic acid (D) at amino acid position 305 to be replaced by a glycine (G). Based on data from gnomAD, the G allele has an overall frequency of <0.001% (1/248554) total alleles studied. The highest observed frequency was 0.007% (1/15494) of African alleles. Based on insufficient or conflicting evidence, the clinical significance of this alteration remains unclear.